The following is an entry in ClinVar:

ClinVar aggregate classification (germline): Likely benign (1 of 4 stars; one submission).

gnomAD v4.1: 311 of 1,610,408 alleles (0.019%); highest among the groups gnomAD compares: Non-Finnish European, 0.022%; no homozygotes.

Submission:

CeGaT Center for Human Genetics Tuebingen
Classification: Likely benign. Last evaluated: 2024-10-01. Review status: criteria provided, single submitter. Criteria: CeGaT Center For Human Genetics Tuebingen Variant Classification Criteria Version 2. Collection method: clinical testing. Allele origin: germline. Affected: yes. Observed: 1 variant allele.
Comment: VANGL2: BS2

NM_020335.3(VANGL2):c.-17C>T

Gene: VANGL2 (VANGL planar cell polarity protein 2; plus strand). Cytogenetic location: 1q23.2.
Variant type: single nucleotide variant.
Coding change: c.-17C>T on transcript NM_020335.3 (MANE Select); 17 bases upstream of the start codon, C replaced by T.
Molecular consequence: 5 prime UTR variant.
Genome position (GRCh38, 1-based): chr1:160,415,821, C>T. VCF-style: chr1-160415821-C-T. GRCh37 (hg19) VCF-style: chr1-160385611-C-T.
Identifiers: ClinVar variation 3388087 (VCV003388087.14).